The following is an entry in ClinVar:

ClinVar aggregate classification (germline): Uncertain significance (1 of 4 stars; one submission).

Conditions:
MOGS-congenital disorder of glycosylation. Also called: CDG IIb; GLUCOSIDASE I DEFICIENCY; CDG 2B; MOGS-CDG. Identifiers: Orphanet 79330, MedGen C1853736, MONDO:0011629, OMIM 606056.

Allele frequency attached by ClinVar (database versions not stated): gnomAD exomes 0.00001; ExAC 0.00002; TOPMed 0.00002; gnomAD 0.00003.
gnomAD v4.1: 10 of 1,614,074 alleles (0.00062%); highest among the groups gnomAD compares: African/African-American, 0.0027%; no homozygotes.

Submission:

Labcorp Genetics (formerly Invitae), Labcorp
Classification: Uncertain significance for MOGS-congenital disorder of glycosylation. Last evaluated: 2023-08-04. Review status: criteria provided, single submitter. Criteria: Invitae Variant Classification Sherloc (09022015). Collection method: clinical testing. Allele origin: germline.
Comment: This sequence change replaces lysine, which is basic and polar, with arginine, which is basic and polar, at codon 782 of the MOGS protein (p.Lys782Arg). This variant is present in population databases (rs775094626, gnomAD 0.008%). This variant has not been reported in the literature in individuals affected with MOGS-related conditions. ClinVar contains an entry for this variant (Variation ID: 964787). Advanced modeling of protein sequence and biophysical properties (such as structural, functional, and spatial information, amino acid conservation, physicochemical variation, residue mobility, and thermodynamic stability) performed at Invitae indicates that this missense variant is not expected to disrupt MOGS protein function. In summary, the available evidence is currently insufficient to determine the role of this variant in disease. Therefore, it has been classified as a Variant of Uncertain Significance.

NM_006302.3(MOGS):c.2345A>G (p.Lys782Arg)

Gene: MOGS (mannosyl-oligosaccharide glucosidase; minus strand). Cytogenetic location: 2p13.1.
Variant type: single nucleotide variant.
Coding change: c.2345A>G on transcript NM_006302.3 (MANE Select); coding-DNA position 2345, A replaced by G.
Protein change: p.Lys782Arg; replaces lysine 782 with arginine.
Molecular consequence: missense variant.
Genome position (GRCh38, 1-based): chr2:74,461,444, T>C on the plus strand (A>G on the coding strand, the complement: MOGS is on the minus strand). VCF-style: chr2-74461444-T-C. GRCh37 (hg19) VCF-style: chr2-74688571-T-C.
Other names: c.2027A>G, p.Lys676Arg (NM_001146158.2); short protein forms K676R, K782R.
Identifiers: ClinVar variation 964787 (VCV000964787.10), dbSNP rs775094626, ClinGen allele CA1724606.